The following is an entry in ClinVar:

ClinVar aggregate classification (germline): Benign (0 of 4 stars; one submission).

Conditions:
PREX2-related disorder. Also called: PREX2-related condition.

Allele frequency attached by ClinVar (database versions not stated): 1000 Genomes Project 0.52396; ExAC 0.52439; 1000 Genomes Project 30x 0.52452; TOPMed 0.52594; gnomAD exomes 0.53238; gnomAD 0.53338; ESP Exome Variant Server 0.54047.
gnomAD v4.1: 818,856 of 1,539,018 alleles (53%); highest among the groups gnomAD compares: South Asian, 56%; 220,698 homozygotes.

Submission:

PreventionGenetics, part of Exact Sciences
Classification: Benign for PREX2-related condition. Last evaluated: 2019-10-21. Review status: no assertion criteria provided. Collection method: clinical testing. Allele origin: germline.
Comment: This variant is classified as benign based on ACMG/AMP sequence variant interpretation guidelines (Richards et al. 2015 PMID: 25741868, with internal and published modifications).

NM_024870.4(PREX2):c.1818A>G (p.Gly606=)

Gene: PREX2 (phosphatidylinositol-3,4,5-trisphosphate dependent Rac exchange factor 2; plus strand). Cytogenetic location: 8q13.2.
Variant type: single nucleotide variant.
Coding change: c.1818A>G on transcript NM_024870.4 (MANE Select); coding-DNA position 1818, A replaced by G.
Protein change: p.Gly606=; no amino-acid change (glycine 606 retained).
Molecular consequence: synonymous variant.
Genome position (GRCh38, 1-based): chr8:68,080,778, A>G. VCF-style: chr8-68080778-A-G. GRCh37 (hg19) VCF-style: chr8-68993013-A-G.
Other names: c.1818A>G, p.Gly606= (NM_025170.6).
Identifiers: ClinVar variation 3060741 (VCV003060741.2), dbSNP rs12682458, ClinGen allele CA4773751.